The following is an entry in ClinVar:

NM_003108.4(SOX11):c.155C>T (p.Pro52Leu)

Gene: SOX11 (SRY-box transcription factor 11; plus strand). Cytogenetic location: 2p25.2.
Variant type: single nucleotide variant.
Coding change: c.155C>T on transcript NM_003108.4 (MANE Select); coding-DNA position 155, C replaced by T.
Protein change: p.Pro52Leu; replaces proline 52 with leucine.
Molecular consequence: missense variant.
Genome position (GRCh38, 1-based): chr2:5,692,876, C>T. VCF-style: chr2-5692876-C-T. GRCh37 (hg19) VCF-style: chr2-5833008-C-T.
Other names: c.155C>T (NM_003108.3); short protein forms P52L.
Identifiers: ClinVar variation 2443009 (VCV002443009.2), dbSNP rs2465087392, ClinGen allele CA345866058.

ClinVar aggregate classification (germline): Pathogenic/Likely pathogenic. Review status: criteria provided, multiple submitters, no conflicts (2 of 4 stars). 2 submissions from 2 submitters: Pathogenic (1); Likely pathogenic (1). Last evaluated 2023-03-09.

Conditions:
Intellectual developmental disorder with microcephaly and with or without ocular malformations or hypogonadotropic hypogonadism. Also called: Intellectual disability, autosomal dominant 27; Coffin-Siris Syndrome 9. Identifiers: Orphanet 1465, MedGen C4014528, MONDO:0014376, OMIM 615866.

Submissions (2):

SIB Swiss Institute of Bioinformatics
Classification: Likely pathogenic for Intellectual developmental disorder with microcephaly and with or without ocular malformations or hypogonadotropic hypogonadism. Last evaluated: 2023-03-09. Review status: criteria provided, single submitter. Criteria: ACMG Guidelines, 2015. Collection method: curation. Allele origin: unknown.
Comment: This variant is interpreted as likely pathogenic for Intellectual developmental disorder with microcephaly and with or without ocular malformations or hypogonadotropic hypogonadism, autosomal dominant. The following ACMG Tag(s) were applied: Absent from controls (or at extremely low frequency if recessive) in Exome Sequencing Project, 1000 Genomes Project, or Exome Aggregation Consortium (PM2); Located in a mutational hot spot and/or critical and well-established functional domain (e.g., active site of an enzyme) without benign variation (PM1); Multiple lines of computational evidence support a deleterious effect on the gene or gene product (PP3); Assumed de novo, but no confirmation of paternity and maternity (PM6).

GeneDx
Classification: Pathogenic. Last evaluated: 2023-03-08. Review status: criteria provided, single submitter. Criteria: GeneDx Variant Classification Process June 2021. Collection method: clinical testing. Allele origin: germline. Affected: yes.
Comment: In silico analysis supports that this missense variant has a deleterious effect on protein structure/function; Not observed at significant frequency in large population cohorts (gnomAD); This variant is associated with the following publications: (PMID: 35341651)

Literature cited by the submitters: PubMed 35341651 (cited by SIB Swiss Institute of Bioinformatics).